The following is an entry in ClinVar:

NM_000080.4(CHRNE):c.453_454dup (p.Val152fs)

Genes: C17orf107 (chromosome 17 open reading frame 107; plus strand), CHRNE (cholinergic receptor nicotinic epsilon subunit; minus strand). Cytogenetic location: 17p13.2.
Variant type: Duplication.
Coding change: c.453_454dup on transcript NM_000080.4 (MANE Select); coding-DNA positions 453 to 454, 2 bases duplicated (GG; older notation c.453_454dupGG).
Protein change: p.Val152fs; shifts the reading frame from valine 152.
Molecular consequence: frameshift variant. On other transcripts: 3 prime UTR variant (1).
Genome position (GRCh38, 1-based): chr17:4,901,978-4,901,979, CC duplicated on the plus strand (GG on the coding strand, the reverse complement: CHRNE is on the minus strand). VCF-style (leftmost placement, unchanged base first): chr17-4901977-A-ACC. GRCh37 (hg19) VCF-style: chr17-4805272-A-ACC.
Other names: c.*1445_*1446dup (NM_001145536.2); short protein forms V152fs.
Identifiers: ClinVar variation 2011729 (VCV002011729.4), dbSNP rs2507560177, ClinGen allele CA2580093575.
Genomic context (GRCh38, chr17:4,901,977, plus strand): 5'-AGTAGCTCTTCCCACCGGAAAATAAGCGAACAGTTCTGCCAATCGAAGGGGAAGTAGGTG[A>ACC]CCTCCACTGCGCAGACGCTGCGGTAGATGGCCGGAGGCAGCCACGTCACGGAGCCGCCCT-3'

ClinVar aggregate classification (germline): Pathogenic (1 of 4 stars; one submission).

Conditions:
Congenital myasthenic syndrome 4A. Also called: Myasthenic syndrome, congenital, 4a, slow-channel; CONGENITAL MYASTHENIC SYNDROME TYPE Ia1; MYASTHENIC SYNDROME, CONGENITAL, 4A, SLOW-CHANNEL, AUTOSOMAL RECESSIVE. Identifiers: Orphanet 590, MedGen C4225413, MONDO:0011600, OMIM 605809.

Submission:

Labcorp Genetics (formerly Invitae), Labcorp
Classification: Pathogenic for Congenital myasthenic syndrome 4A. Last evaluated: 2022-06-28. Review status: criteria provided, single submitter. Criteria: Invitae Variant Classification Sherloc (09022015). Collection method: clinical testing. Allele origin: germline.
Comment: For these reasons, this variant has been classified as Pathogenic. This sequence change creates a premature translational stop signal (p.Val152Glyfs*32) in the CHRNE gene. It is expected to result in an absent or disrupted protein product. Loss-of-function variants in CHRNE are known to be pathogenic (PMID: 22678886). This variant is not present in population databases (gnomAD no frequency). This variant has not been reported in the literature in individuals affected with CHRNE-related conditions. Algorithms developed to predict the effect of sequence changes on RNA splicing suggest that this variant may disrupt the consensus splice site.

Literature cited by the submitters: PubMed 22678886.